The following is an entry in ClinVar:

ClinVar aggregate classification (germline): Uncertain significance (1 of 4 stars; one submission).

Submission:

GeneDx
Classification: Uncertain significance. Last evaluated: 2023-08-11. Review status: criteria provided, single submitter. Criteria: GeneDx Variant Classification Process June 2021. Collection method: clinical testing. Allele origin: germline. Affected: yes.
Comment: Not observed at significant frequency in large population cohorts (gnomAD); In silico analysis supports that this missense variant does not alter protein structure/function; Has not been previously published as pathogenic or benign to our knowledge

NM_007118.4(TRIO):c.180G>A (p.Met60Ile)

Gene: TRIO (trio Rho guanine nucleotide exchange factor; plus strand). Cytogenetic location: 5p15.2.
Variant type: single nucleotide variant.
Coding change: c.180G>A on transcript NM_007118.4 (MANE Select); coding-DNA position 180, G replaced by A.
Protein change: p.Met60Ile; replaces methionine 60 with isoleucine.
Molecular consequence: missense variant. On other transcripts: non-coding transcript variant (1).
Genome position (GRCh38, 1-based): chr5:14,270,847, G>A. VCF-style: chr5-14270847-G-A. GRCh37 (hg19) VCF-style: chr5-14270956-G-A.
Other names: short protein forms M60I.
Identifiers: ClinVar variation 3253503 (VCV003253503.1), dbSNP rs1795936903.